The following is an entry in ClinVar:

NM_002354.3(EPCAM):c.73G>T (p.Glu25Ter)

Gene: EPCAM (epithelial cell adhesion molecule; plus strand). Cytogenetic location: 2p21.
Variant type: single nucleotide variant.
Coding change: c.73G>T on transcript NM_002354.3 (MANE Select); coding-DNA position 73, G replaced by T.
Protein change: p.Glu25Ter; replaces glutamic acid 25 with a stop codon.
Molecular consequence: nonsense.
Genome position (GRCh38, 1-based): chr2:47,369,578, G>T. VCF-style: chr2-47369578-G-T. GRCh37 (hg19) VCF-style: chr2-47596717-G-T.
Other names: short protein forms E25*.
Identifiers: ClinVar variation 2689133 (VCV002689133.4), dbSNP rs1385489500, ClinGen allele CA346721484.

ClinVar aggregate classification (germline): Pathogenic/Likely pathogenic. Review status: criteria provided, multiple submitters, no conflicts (2 of 4 stars). 3 submissions from 3 submitters: Pathogenic (1); Likely pathogenic (1). 1 of the submissions does not count toward it. Last evaluated 2026-01-21.

Conditions:
EPCAM-related disorder. Also called: EPCAM-related condition.

Allele frequency attached by ClinVar (database versions not stated): gnomAD exomes below 0.00001.

Submissions (3):

GeneDx
Classification: Likely pathogenic. Last evaluated: 2026-01-21. Review status: criteria provided, single submitter. Criteria: GeneDx Variant Classification Process June 2021. Collection method: clinical testing. Allele origin: germline.
Comment: Nonsense variant predicted to result in protein truncation or nonsense mediated decay in a gene for which loss of function is a known mechanism of disease; Not observed at significant frequency in large population cohorts (gnomAD); Has not been previously published as pathogenic or benign to our knowledge

Revvity Omics, Revvity
Classification: Pathogenic. Last evaluated: 2023-07-13. Review status: criteria provided, single submitter. Criteria: ACMG Guidelines, 2015. Collection method: clinical testing. Allele origin: germline.

PreventionGenetics, part of Exact Sciences
Classification: Likely pathogenic for EPCAM-related condition. Last evaluated: 2024-09-12. Review status: no assertion criteria provided. Collection method: clinical testing. Allele origin: germline. Not counted in ClinVar's aggregate classification.
Comment: The EPCAM c.73G>T variant is predicted to result in premature protein termination (p.Glu25*). To our knowledge, this variant has not been reported in the literature. This variant is reported in 0 out of ~205,000 alleles in gnomAD. Nonsense variants in EPCAM are expected to be pathogenic. This variant is interpreted as likely pathogenic.